The following is an entry in ClinVar:

NM_006514.4(SCN10A):c.4892A>G (p.His1631Arg)

Gene: SCN10A (sodium voltage-gated channel alpha subunit 10; minus strand). Cytogenetic location: 3p22.2.
Variant type: single nucleotide variant.
Coding change: c.4892A>G on transcript NM_006514.4 (MANE Select); coding-DNA position 4892, A replaced by G.
Protein change: p.His1631Arg; replaces histidine 1631 with arginine.
Molecular consequence: missense variant.
Genome position (GRCh38, 1-based): chr3:38,698,328, T>C on the plus strand (A>G on the coding strand, the complement: SCN10A is on the minus strand). VCF-style: chr3-38698328-T-C. GRCh37 (hg19) VCF-style: chr3-38739819-T-C.
Other names: c.4889A>G, p.His1630Arg (NM_001293306.2); c.4598A>G, p.His1533Arg (NM_001293307.2); short protein forms H1533R, H1630R, H1631R.
Identifiers: ClinVar variation 1010687 (VCV001010687.5), dbSNP rs771997067, ClinGen allele CA2319783.

ClinVar aggregate classification (germline): Uncertain significance (1 of 4 stars; one submission).

Conditions:
Brugada syndrome. Also called: Sudden unexpected nocturnal death syndrome; Sudden Unexplained Nocturnal Death Syndrome (SUNDS); Sudden Unexplained Death Syndrome; Sudden unexplained nocturnal death syndrome. Identifiers: Orphanet 130, MedGen C1142166, MONDO:0015263.

Allele frequency attached by ClinVar (database versions not stated): gnomAD exomes below 0.00001 and 0.00001; ExAC 0.00002.
gnomAD v4.1: 4 of 1,613,894 alleles (0.00025%); highest among the groups gnomAD compares: East Asian, 0.0067%; no homozygotes.

Submission:

Labcorp Genetics (formerly Invitae), Labcorp
Classification: Uncertain significance for Brugada syndrome. Last evaluated: 2024-09-28. Review status: criteria provided, single submitter. Criteria: Invitae Variant Classification Sherloc (09022015). Collection method: clinical testing. Allele origin: germline.
Comment: This sequence change replaces histidine, which is basic and polar, with arginine, which is basic and polar, at codon 1631 of the SCN10A protein (p.His1631Arg). This variant is present in population databases (rs771997067, gnomAD 0.006%). This variant has not been reported in the literature in individuals affected with SCN10A-related conditions. ClinVar contains an entry for this variant (Variation ID: 1010687). Invitae Evidence Modeling of protein sequence and biophysical properties (such as structural, functional, and spatial information, amino acid conservation, physicochemical variation, residue mobility, and thermodynamic stability) indicates that this missense variant is not expected to disrupt SCN10A protein function with a negative predictive value of 80%. In summary, the available evidence is currently insufficient to determine the role of this variant in disease. Therefore, it has been classified as a Variant of Uncertain Significance.